The following is an entry in ClinVar:

ClinVar aggregate classification (germline): Uncertain significance. Review status: criteria provided, multiple submitters, no conflicts (2 of 4 stars). 2 submissions from 2 submitters: Uncertain significance (2). Last evaluated 2026-08-26.

Conditions:
Cardiovascular phenotype. Identifiers: MedGen CN230736.
JPH2-related disorder. Also called: JPH2-related condition.

gnomAD v4.1: 2 of 1,600,354 alleles (0.00012%); highest among the groups gnomAD compares: Non-Finnish European, 0.000085%; no homozygotes.

Submissions (2):

PreventionGenetics, part of Exact Sciences
Classification: Uncertain significance for JPH2-related condition. Last evaluated: 2026-08-26. Review status: criteria provided, single submitter. Criteria: ACMG Guidelines, 2015. Collection method: clinical testing. Allele origin: germline.
Comment: The JPH2 c.430C>T variant is predicted to result in the amino acid substitution p.Arg144Cys. To our knowledge, this variant has not been reported in the literature or in a large population database (gnomAD), indicating this variant is rare. At this time, the clinical significance of this variant is uncertain due to the absence of conclusive functional and genetic evidence.

Ambry Genetics
Classification: Uncertain significance for Cardiovascular phenotype. Last evaluated: 2022-12-23. Review status: criteria provided, single submitter. Criteria: Ambry Variant Classification Scheme 2023. Collection method: clinical testing. Allele origin: germline.
Comment: The p.R144C variant (also known as c.430C>T), located in coding exon 2 of the JPH2 gene, results from a C to T substitution at nucleotide position 430. The arginine at codon 144 is replaced by cysteine, an amino acid with highly dissimilar properties. This amino acid position is conserved. In addition, this alteration is predicted to be deleterious by in silico analysis. Since supporting evidence is limited at this time, the clinical significance of this alteration remains unclear.

NM_020433.5(JPH2):c.430C>T (p.Arg144Cys)

Gene: JPH2 (junctophilin 2; minus strand). Cytogenetic location: 20q13.12.
Variant type: single nucleotide variant.
Coding change: c.430C>T on transcript NM_020433.5 (MANE Select); coding-DNA position 430, C replaced by T.
Protein change: p.Arg144Cys; replaces arginine 144 with cysteine.
Molecular consequence: missense variant.
Genome position (GRCh38, 1-based): chr20:44,160,357, G>A on the plus strand (C>T on the coding strand, the complement: JPH2 is on the minus strand). VCF-style: chr20-44160357-G-A. GRCh37 (hg19) VCF-style: chr20-42788997-G-A.
Other names: short protein forms R144C.
Identifiers: ClinVar variation 2451748 (VCV002451748.3), dbSNP rs2515745317, ClinGen allele CA409094397.